The following is an entry in ClinVar:

NM_001792.5(CDH2):c.2422C>T (p.Arg808Ter)

Genes: CDH2 (cadherin 2; minus strand), CDH2-AS1 (CDH2 antisense RNA 1; plus strand). Cytogenetic location: 18q12.1.
Variant type: single nucleotide variant.
Coding change: c.2422C>T on transcript NM_001792.5 (MANE Select); coding-DNA position 2422, C replaced by T.
Protein change: p.Arg808Ter; replaces arginine 808 with a stop codon.
Molecular consequence: nonsense.
Genome position (GRCh38, 1-based): chr18:27,963,449, G>A on the plus strand (C>T on the coding strand, the complement: CDH2 is on the minus strand). VCF-style: chr18-27963449-G-A. GRCh37 (hg19) VCF-style: chr18-25543413-G-A.
Other names: c.2329C>T, p.Arg777Ter (NM_001308176.2); c.2422C>T (NM_001792.4); short protein forms R777*, R808*.
Identifiers: ClinVar variation 2439862 (VCV002439862.7), dbSNP rs759639016, ClinGen allele CA8923154.

ClinVar aggregate classification (germline): Conflicting classifications of pathogenicity. Review status: criteria provided, conflicting classifications (1 of 4 stars). 4 submissions from 4 submitters: Likely pathogenic (1); Uncertain significance (3). Last evaluated 2026-05-05.

Conditions:
CDH2-related disorder. Also called: CDH2-related condition.

Allele frequency attached by ClinVar (database versions not stated): gnomAD exomes below 0.00001; ExAC 0.00001; gnomAD 0.00001.
gnomAD v4.1: 4 of 1,613,874 alleles (0.00025%); highest among the groups gnomAD compares: Admixed American, 0.0017%; no homozygotes.

Submissions (4):

GeneDx
Classification: Likely pathogenic. Last evaluated: 2026-05-05. Review status: criteria provided, single submitter. Criteria: GeneDx Variant Classification Process June 2021. Collection method: clinical testing. Allele origin: germline.
Comment: Nonsense variant predicted to result in protein truncation or nonsense mediated decay in a gene for which loss of function is a known mechanism of disease; Not observed at significant frequency in large population cohorts (gnomAD); Has not been previously published as pathogenic or benign to our knowledge.

PreventionGenetics, part of Exact Sciences
Classification: Uncertain significance for CDH2-related condition. Last evaluated: 2025-10-23. Review status: criteria provided, single submitter. Criteria: ACMG Guidelines, 2015. Collection method: clinical testing. Allele origin: germline.
Comment: The CDH2 c.2422C>T variant is predicted to result in premature protein termination (p.Arg808*). To our knowledge, this variant has not been reported in the literature or in a large population database, indicating this variant is rare. To date, the majority of reported variants in CDH2 have been missense; however, a small number of de novo loss-of-function variants have been reported (Accogli et al. 2019. PubMed ID: 31585109). Although we suspect that this variant may be pathogenic, at this time, the clinical significance of this variant is uncertain due to the absence of conclusive functional and genetic evidence.

Clinical Genetics Laboratory, Skane University Hospital Lund
Classification: Uncertain significance. Last evaluated: 2022-05-27. Review status: criteria provided, single submitter. Criteria: ACMG Guidelines, 2015. Collection method: clinical testing. Allele origin: germline. Affected: yes.

Revvity Omics, Revvity
Classification: Uncertain significance. Last evaluated: 2022-02-03. Review status: criteria provided, single submitter. Criteria: ACMG Guidelines, 2015. Collection method: clinical testing. Allele origin: germline.